The following is an entry in ClinVar:

NM_000135.4(FANCA):c.765A>T (p.Arg255Ser)

Gene: FANCA (FA complementation group A; minus strand). Cytogenetic location: 16q24.3.
Variant type: single nucleotide variant.
Coding change: c.765A>T on transcript NM_000135.4 (MANE Select); coding-DNA position 765, A replaced by T.
Protein change: p.Arg255Ser; replaces arginine 255 with serine.
Molecular consequence: missense variant.
Genome position (GRCh38, 1-based): chr16:89,803,286, T>A on the plus strand (A>T on the coding strand, the complement: FANCA is on the minus strand). VCF-style: chr16-89803286-T-A. GRCh37 (hg19) VCF-style: chr16-89869694-T-A.
Other names: c.765A>T, p.Arg255Ser (NM_001018112.3, NM_001286167.3); c.669A>T, p.Arg223Ser (NM_001351830.2); short protein forms R223S, R255S.
Identifiers: ClinVar variation 4022363 (VCV004022363.1).

ClinVar aggregate classification (germline): Uncertain significance (1 of 4 stars; one submission).

Conditions:
Inborn genetic diseases. Identifiers: MedGen C0950123, MeSH D030342.

Submission:

Ambry Genetics
Classification: Uncertain significance for Inborn genetic diseases. Last evaluated: 2025-06-08. Review status: criteria provided, single submitter. Criteria: Ambry Variant Classification Scheme 2023. Collection method: clinical testing. Allele origin: germline.
Comment: The p.R255S variant (also known as c.765A>T), located in coding exon 8 of the FANCA gene, results from an A to T substitution at nucleotide position 765. The arginine at codon 255 is replaced by serine, an amino acid with dissimilar properties. This amino acid position is conserved. In addition, this alteration is predicted to be tolerated by in silico analysis. Based on the available evidence, the clinical significance of this variant remains unclear.